The following is an entry in ClinVar:

NM_004863.4(SPTLC2):c.88G>A (p.Val30Met)

Gene: SPTLC2 (serine palmitoyltransferase long chain base subunit 2; minus strand). Cytogenetic location: 14q24.3.
Variant type: single nucleotide variant.
Coding change: c.88G>A on transcript NM_004863.4 (MANE Select); coding-DNA position 88, G replaced by A.
Protein change: p.Val30Met; replaces valine 30 with methionine.
Molecular consequence: missense variant.
Genome position (GRCh38, 1-based): chr14:77,616,492, C>T on the plus strand (G>A on the coding strand, the complement: SPTLC2 is on the minus strand). VCF-style: chr14-77616492-C-T. GRCh37 (hg19) VCF-style: chr14-78082835-C-T.
Other names: short protein forms V30M.
Identifiers: ClinVar variation 1941068 (VCV001941068.5), dbSNP rs2503570352, ClinGen allele CA390712258.

ClinVar aggregate classification (germline): Uncertain significance (1 of 4 stars; one submission).

Conditions:
Neuropathy, hereditary sensory and autonomic, type 1C. Also called: HSAN IC; HSN IC. Identifiers: Orphanet 36386, MedGen C3150896, MONDO:0013337, OMIM 613640.

Allele frequency attached by ClinVar (database versions not stated): gnomAD exomes below 0.00001.
gnomAD v4.1: 1 of 1,531,864 alleles (0.000065%); highest among the groups gnomAD compares: Middle Eastern, 0.017%; no homozygotes.

Submission:

Labcorp Genetics (formerly Invitae), Labcorp
Classification: Uncertain significance for Neuropathy, hereditary sensory and autonomic, type 1C. Last evaluated: 2022-04-29. Review status: criteria provided, single submitter. Criteria: Invitae Variant Classification Sherloc (09022015). Collection method: clinical testing. Allele origin: germline.
Comment: In summary, the available evidence is currently insufficient to determine the role of this variant in disease. Therefore, it has been classified as a Variant of Uncertain Significance. Algorithms developed to predict the effect of sequence changes on RNA splicing suggest that this variant may disrupt the consensus splice site. Algorithms developed to predict the effect of missense changes on protein structure and function (SIFT, PolyPhen-2, Align-GVGD) all suggest that this variant is likely to be tolerated. This variant has not been reported in the literature in individuals affected with SPTLC2-related conditions. This variant is not present in population databases (gnomAD no frequency). This sequence change replaces valine, which is neutral and non-polar, with methionine, which is neutral and non-polar, at codon 30 of the SPTLC2 protein (p.Val30Met).